The following is an entry in ClinVar:

ClinVar aggregate classification (germline): Likely pathogenic (1 of 4 stars; one submission).

Conditions:
Hereditary cancer-predisposing syndrome. Also called: Neoplastic Syndromes, Hereditary; Tumor predisposition; Hereditary Cancer Syndrome; Hereditary neoplastic syndrome. Identifiers: Orphanet 140162, MedGen C0027672, MeSH D009386, MONDO:0015356.

Submission:

Ambry Genetics
Classification: Likely pathogenic for Hereditary cancer-predisposing syndrome. Last evaluated: 2024-12-23. Review status: criteria provided, single submitter. Criteria: Ambry Variant Classification Scheme 2023. Collection method: clinical testing. Allele origin: germline.
Comment: The p.G2765R variant (also known as c.8293G>C), located in coding exon 56 of the ATM gene, results from a G to C substitution at nucleotide position 8293. The glycine at codon 2765 is replaced by arginine, an amino acid with dissimilar properties. Based on internal structural analysis, p.G2765R is strongly disruptive to the kinase domain of ATM, more so than other internally pathogenic variants at the same position and nearby (Ambry internal data). This variant is considered to be rare based on population cohorts in the Genome Aggregation Database (gnomAD). This amino acid position is highly conserved in available vertebrate species. In addition, this alteration is predicted to be deleterious by in silico analysis. Based on the majority of available evidence to date, this variant is likely to be pathogenic.

NM_000051.4(ATM):c.8293G>C (p.Gly2765Arg)

Genes: ATM (ATM serine/threonine kinase; plus strand), C11orf65 (chromosome 11 open reading frame 65; minus strand). Cytogenetic location: 11q22.3.
Variant type: single nucleotide variant.
Coding change: c.8293G>C on transcript NM_000051.4 (MANE Select); coding-DNA position 8293, G replaced by C.
Protein change: p.Gly2765Arg; replaces glycine 2765 with arginine.
Molecular consequence: missense variant. On other transcripts: intron variant (2).
Genome position (GRCh38, 1-based): chr11:108,343,246, G>C. VCF-style: chr11-108343246-G-C. GRCh37 (hg19) VCF-style: chr11-108213973-G-C.
Other names: c.8293G>C, p.Gly2765Arg (NM_001351834.2); c.641-34175C>G (NM_001330368.2); c.695-7954C>G (NM_001351110.2); short protein forms G2765R.
Identifiers: ClinVar variation 3800998 (VCV003800998.1).
Genomic context (GRCh38, chr11:108,343,246, plus strand): 5'-TTTTAAAATTAAAAGGTATTTAATCTGTAACTCCAGGTGGTTCCCCTCTCTCAGCGAAGT[G>C]GTGTTCTTGAATGGTGCACAGGAACTGTCCCCATTGGTGAATTTCTTGTTAACAATGAAG-3'
Protein context (NP_000042.3, residues 2755-2775): YKVVPLSQRS[Gly2765Arg]VLEWCTGTVP